The following is an entry in ClinVar:

ClinVar aggregate classification (germline): Uncertain significance. Review status: criteria provided, multiple submitters, no conflicts (2 of 4 stars). 2 submissions from 2 submitters: Uncertain significance (2). Last evaluated 2025-01-01.

Conditions:
Brody myopathy. Also called: BRODY DISEASE. Identifiers: Orphanet 53347, MedGen C1832918, MONDO:0010977, OMIM 601003.
Inborn genetic diseases. Identifiers: MedGen C0950123, MeSH D030342.

Allele frequency attached by ClinVar (database versions not stated): gnomAD exomes 0.00001 and 0.00002; gnomAD 0.00002; ExAC 0.00003; TOPMed 0.00003.
gnomAD v4.1: 17 of 1,614,074 alleles (0.0011%); highest among the groups gnomAD compares: Middle Eastern, 0.016%; no homozygotes.

Submissions (2):

Ambry Genetics
Classification: Uncertain significance for Inborn genetic diseases. Last evaluated: 2025-01-01. Review status: criteria provided, single submitter. Criteria: Ambry Variant Classification Scheme 2023. Collection method: clinical testing. Allele origin: germline.

Labcorp Genetics (formerly Invitae), Labcorp
Classification: Uncertain significance for Brody myopathy. Last evaluated: 2023-07-30. Review status: criteria provided, single submitter. Criteria: Invitae Variant Classification Sherloc (09022015). Collection method: clinical testing. Allele origin: germline.
Comment: In summary, the available evidence is currently insufficient to determine the role of this variant in disease. Therefore, it has been classified as a Variant of Uncertain Significance. An algorithm developed to predict the effect of missense changes on protein structure and function (PolyPhen-2) suggests that this variant¬†is likely to be tolerated. ClinVar contains an entry for this variant (Variation ID: 1432506). This variant has not been reported in the literature in individuals affected with ATP2A1-related conditions. This variant is present in population databases (rs778662261, gnomAD 0.01%). This sequence change replaces arginine, which is basic and polar, with histidine, which is basic and polar, at codon 651 of the ATP2A1 protein (p.Arg651His).

NM_004320.6(ATP2A1):c.1952G>A (p.Arg651His)

Gene: ATP2A1 (ATPase sarcoplasmic/endoplasmic reticulum Ca2+ transporting 1; plus strand). Cytogenetic location: 16p11.2.
Variant type: single nucleotide variant.
Coding change: c.1952G>A on transcript NM_004320.6 (MANE Select); coding-DNA position 1952, G replaced by A.
Protein change: p.Arg651His; replaces arginine 651 with histidine.
Molecular consequence: missense variant.
Genome position (GRCh38, 1-based): chr16:28,900,768, G>A. VCF-style: chr16-28900768-G-A. GRCh37 (hg19) VCF-style: chr16-28912089-G-A.
Other names: c.1577G>A, p.Arg526His (NM_001286075.2); c.1952G>A, p.Arg651His (NM_173201.5); c.1952G>A (NM_173201.3); short protein forms R526H, R651H.
Identifiers: ClinVar variation 1432506 (VCV001432506.8), dbSNP rs778662261, ClinGen allele CA7987125.
Genomic context (GRCh38, chr16:28,900,768, plus strand): 5'-CAGCCATTGCCATCTGCCGGCGAATTGGCATCTTTGGGGAGAACGAGGAGGTGGCCGATC[G>A]CGCCTACACGGGCCGAGAGTTCGACGACCTGCCCCTGGCTGAACAGCGGGAAGCCTGCCG-3'
Protein context (NP_004311.1, residues 641-661): IFGENEEVAD[Arg651His]AYTGREFDDL